The following is an entry in ClinVar:

ClinVar aggregate classification (germline): Uncertain significance (1 of 4 stars; one submission).

Conditions:
Intellectual developmental disorder, autosomal dominant 44, with microcephaly. Also called: Micrognathia-recurrent infections-behavioral abnormalities-mild intellectual disability syndrome; TRIO-Related Intellectual Disability. Identifiers: Orphanet 476126, MedGen C4310740, MONDO:0014892, OMIM 617061.

Allele frequency attached by ClinVar (database versions not stated): ExAC 0.00001; gnomAD exomes 0.00001; TOPMed below 0.00001.
gnomAD v4.1: 2 of 1,443,046 alleles (0.00014%); highest among the groups gnomAD compares: Non-Finnish European, 0.00018%; no homozygotes.

Submission:

Illumina Laboratory Services, Illumina
Classification: Uncertain significance for TRIO-related intellectual disability. Last evaluated: 2019-04-24. Review status: criteria provided, single submitter. Criteria: ICSLVariantClassificationCriteria RUGD 01 April 2020. Collection method: clinical testing. Allele origin: unknown.
Comment: The TRIO c.7080G>C (p.Gln2360His) variant is a missense variant. A literature search was performed for the gene, cDNA change, and amino acid change. No publications were found based on this search. The p.Gln2360His variant is reported at a frequency of 0.000014 in the European (non-Finnish) population of the Genome Aggregation Database, but this is based on one allele in a region of low sequence coverage. Based on the limited evidence, the p.Gln2360His variant is classified as a variant of uncertain significance for TRIO-related intellectual disability.

NM_007118.4(TRIO):c.7080G>C (p.Gln2360His)

Gene: TRIO (trio Rho guanine nucleotide exchange factor; plus strand). Cytogenetic location: 5p15.2.
Variant type: single nucleotide variant.
Coding change: c.7080G>C on transcript NM_007118.4 (MANE Select); coding-DNA position 7080, G replaced by C.
Protein change: p.Gln2360His; replaces glutamine 2360 with histidine.
Molecular consequence: missense variant. On other transcripts: non-coding transcript variant (1).
Genome position (GRCh38, 1-based): chr5:14,487,708, G>C. VCF-style: chr5-14487708-G-C. GRCh37 (hg19) VCF-style: chr5-14487817-G-C.
Other names: short protein forms Q2360H.
Identifiers: ClinVar variation 989371 (VCV000989371.4), dbSNP rs746319480, ClinGen allele CA3207326.